The following is an entry in ClinVar:

NM_003737.4(DCHS1):c.9850G>A (p.Ala3284Thr)

Gene: DCHS1 (dachsous cadherin-related 1; minus strand). Cytogenetic location: 11p15.4.
Variant type: single nucleotide variant.
Coding change: c.9850G>A on transcript NM_003737.4 (MANE Select); coding-DNA position 9850, G replaced by A.
Protein change: p.Ala3284Thr; replaces alanine 3284 with threonine.
Molecular consequence: missense variant.
Genome position (GRCh38, 1-based): chr11:6,621,826, C>T on the plus strand (G>A on the coding strand, the complement: DCHS1 is on the minus strand). VCF-style: chr11-6621826-C-T. GRCh37 (hg19) VCF-style: chr11-6643057-C-T.
Other names: short protein forms A3284T.
Identifiers: ClinVar variation 1631699 (VCV001631699.32), dbSNP rs146383176, ClinGen allele CA5859162.

ClinVar aggregate classification (germline): Likely benign. Review status: criteria provided, multiple submitters, no conflicts (2 of 4 stars). 2 submissions from 2 submitters: Likely benign (2). Last evaluated 2026-06-01.

Allele frequency attached by ClinVar (database versions not stated): gnomAD 0.00003 and 0.00005; TOPMed 0.00005; ESP Exome Variant Server 0.00008; gnomAD exomes 0.00008 and 0.00019; 1000 Genomes Project 30x 0.00016; 1000 Genomes Project 0.00020; ExAC 0.00031.

Submissions (2):

CeGaT Center for Human Genetics Tuebingen
Classification: Likely benign. Last evaluated: 2026-06-01. Review status: criteria provided, single submitter. Criteria: CeGaT Center For Human Genetics Tuebingen Variant Classification Criteria Version 2. Collection method: clinical testing. Allele origin: germline. Affected: yes. Observed: 1 variant allele.
Comment: DCHS1: BP4

Labcorp Genetics (formerly Invitae), Labcorp
Classification: Likely benign. Last evaluated: 2026-01-27. Review status: criteria provided, single submitter. Criteria: Invitae Variant Classification Sherloc (09022015). Collection method: clinical testing. Allele origin: germline.